The following is an entry in ClinVar:

ClinVar aggregate classification (germline): Uncertain significance. Review status: criteria provided, multiple submitters, no conflicts (2 of 4 stars). 2 submissions from 2 submitters: Uncertain significance (2). Last evaluated 2025-07-02.

Conditions:
Adenylosuccinate lyase deficiency (ADSLD). Also called: ADSL DEFICIENCY. Identifiers: Orphanet 46, MedGen C0268126, MONDO:0007068, OMIM 103050.
Inborn genetic diseases. Identifiers: MedGen C0950123, MeSH D030342.

Allele frequency attached by ClinVar (database versions not stated): TOPMed below 0.00001; gnomAD 0.00001 and 0.00002; gnomAD exomes 0.00002.
gnomAD v4.1: 5 of 1,603,638 alleles (0.00031%); highest among the groups gnomAD compares: African/African-American, 0.004%; no homozygotes.

Submissions (2):

Ambry Genetics
Classification: Uncertain significance for Inborn genetic diseases. Last evaluated: 2025-07-02. Review status: criteria provided, single submitter. Criteria: Ambry Variant Classification Scheme 2023. Collection method: clinical testing. Allele origin: germline.

Labcorp Genetics (formerly Invitae), Labcorp
Classification: Uncertain significance for Adenylosuccinate lyase deficiency. Last evaluated: 2022-03-26. Review status: criteria provided, single submitter. Criteria: Invitae Variant Classification Sherloc (09022015). Collection method: clinical testing. Allele origin: germline.
Comment: This sequence change replaces alanine, which is neutral and non-polar, with threonine, which is neutral and polar, at codon 3 of the ADSL protein (p.Ala3Thr). The frequency data for this variant in the population databases is considered unreliable, as metrics indicate poor data quality at this position in the gnomAD database. This variant has not been reported in the literature in individuals affected with ADSL-related conditions. Advanced modeling of protein sequence and biophysical properties (such as structural, functional, and spatial information, amino acid conservation, physicochemical variation, residue mobility, and thermodynamic stability) performed at Invitae indicates that this missense variant is not expected to disrupt ADSL protein function. This variant disrupts the p.Ala3 amino acid residue in ADSL. Other variant(s) that disrupt this residue have been observed in individuals with ADSL-related conditions (PMID: 10888601, 15571235), which suggests that this may be a clinically significant amino acid residue. In summary, the available evidence is currently insufficient to determine the role of this variant in disease. Therefore, it has been classified as a Variant of Uncertain Significance.

Literature cited by the submitters: PubMed 10888601 (cited by Labcorp Genetics (formerly Invitae), Labcorp); PubMed 15571235 (cited by Labcorp Genetics (formerly Invitae), Labcorp).

NM_000026.4(ADSL):c.7G>A (p.Ala3Thr)

Gene: ADSL (adenylosuccinate lyase; plus strand). Cytogenetic location: 22q13.1.
Variant type: single nucleotide variant.
Coding change: c.7G>A on transcript NM_000026.4 (MANE Select); coding-DNA position 7, G replaced by A.
Protein change: p.Ala3Thr; replaces alanine 3 with threonine.
Molecular consequence: missense variant. On other transcripts: 5 prime UTR variant (1), non-coding transcript variant (1).
Genome position (GRCh38, 1-based): chr22:40,346,565, G>A. VCF-style: chr22-40346565-G-A. GRCh37 (hg19) VCF-style: chr22-40742569-G-A.
Other names: c.7G>A, p.Ala3Thr (NM_001123378.3, NM_001363840.3); c.-131G>A (NM_001317923.2); c.7G>A (NM_000026.2); short protein forms A3T.
Identifiers: ClinVar variation 1415318 (VCV001415318.6), dbSNP rs1389806424, ClinGen allele CA411632570.